The following is an entry in ClinVar:

NM_001303620.2(DNASE1L1):c.351C>T (p.Asn117=)

Gene: DNASE1L1 (deoxyribonuclease 1 like 1; minus strand). Cytogenetic location: Xq28.
Variant type: single nucleotide variant.
Coding change: c.351C>T on transcript NM_001303620.2 (MANE Select); coding-DNA position 351, C replaced by T.
Protein change: p.Asn117=; no amino-acid change (asparagine 117 retained).
Molecular consequence: synonymous variant.
Genome position (GRCh38, 1-based): chrX:154,403,583, G>A on the plus strand (C>T on the coding strand, the complement: DNASE1L1 is on the minus strand). VCF-style: chrX-154403583-G-A. GRCh37 (hg19) VCF-style: chrX-153631924-G-A.
Other names: c.351C>T, p.Asn117= (NM_001009932.3, NM_001009933.3, NM_001009934.3 and 1 more transcripts).
Identifiers: ClinVar variation 2661803 (VCV002661803.24), dbSNP rs373072839, ClinGen allele CA10562118.

ClinVar aggregate classification (germline): Likely benign (1 of 4 stars; one submission).

Allele frequency attached by ClinVar (database versions not stated): ESP Exome Variant Server 0.00009; gnomAD 0.00017; TOPMed 0.00019; 1000 Genomes Project 30x 0.00021; gnomAD exomes 0.00022; ExAC 0.00024; 1000 Genomes Project 0.00026.
gnomAD v4.1: 254 of 1,210,390 alleles (0.021%); highest among the groups gnomAD compares: South Asian, 0.14%; no homozygotes.

Submission:

CeGaT Center for Human Genetics Tuebingen
Classification: Likely benign. Last evaluated: 2023-01-01. Review status: criteria provided, single submitter. Criteria: CeGaT Center For Human Genetics Tuebingen Variant Classification Criteria Version 2. Collection method: clinical testing. Allele origin: germline. Affected: yes. Observed: 1 variant allele.
Comment: DNASE1L1: BP4, BP7, BS2